The following is an entry in ClinVar:

NM_017415.3(KLHL3):c.*141C>T

Gene: KLHL3 (kelch like family member 3; minus strand). Cytogenetic location: 5q31.2.
Variant type: single nucleotide variant.
Coding change: c.*141C>T on transcript NM_017415.3 (MANE Select); 141 bases downstream of the stop codon, C replaced by T.
Molecular consequence: 3 prime UTR variant.
Genome position (GRCh38, 1-based): chr5:137,621,957, G>A on the plus strand (C>T on the coding strand, the complement: KLHL3 is on the minus strand). VCF-style: chr5-137621957-G-A. GRCh37 (hg19) VCF-style: chr5-136957646-G-A.
Other names: c.*141C>T (NM_001257194.1, NM_001257195.2).
Identifiers: ClinVar variation 350981 (VCV000350981.6), dbSNP rs189064290, ClinGen allele CA10622704.

ClinVar aggregate classification (germline): Benign (1 of 4 stars; one submission).

Conditions:
Pseudohypoaldosteronism type 2D (PHA2D). Also called: FAMILIAL HYPERKALEMIC HYPERTENSION; PSEUDOHYPOALDOSTERONISM, TYPE IID, AUTOSOMAL DOMINANT OR RECESSIVE; Pseudohypoaldosteronism Type IID. Identifiers: Orphanet 300525, Orphanet 757, MedGen C3469605, MONDO:0013781, OMIM 614495.

Allele frequency attached by ClinVar (database versions not stated): gnomAD 0.00019 and 0.00034; TOPMed 0.00039; gnomAD exomes 0.00069; 1000 Genomes Project 30x 0.00078; 1000 Genomes Project 0.00100.
gnomAD v4.1: 541 of 870,612 alleles (0.062%); highest among the groups gnomAD compares: East Asian, 0.75%; 2 homozygotes.

Submission:

Illumina Laboratory Services, Illumina
Classification: Benign for Pseudohypoaldosteronism type 2D. Last evaluated: 2018-01-13. Review status: criteria provided, single submitter. Criteria: ICSL Variant Classification Criteria 13 December 2019. Collection method: clinical testing. Allele origin: germline.
Comment: This variant was observed in the ICSL laboratory as part of a predisposition screen in an ostensibly healthy population. It had not been previously curated by ICSL or reported in the Human Gene Mutation Database (HGMD: prior to June 1st, 2018), and was therefore a candidate for classification through an automated scoring system. Utilizing variant allele frequency, disease prevalence and penetrance estimates, and inheritance mode, an automated score was calculated to assess if this variant is too frequent to cause the disease. Based on the score and internal cut-off values, a variant classified as benign is not then subjected to further curation. The score for this variant resulted in a classification of benign for this disease.